The following is an entry in ClinVar:

NM_001447.3(FAT2):c.3106G>A (p.Val1036Met)

Gene: FAT2 (FAT atypical cadherin 2; minus strand). Cytogenetic location: 5q33.1.
Variant type: single nucleotide variant.
Coding change: c.3106G>A on transcript NM_001447.3 (MANE Select); coding-DNA position 3106, G replaced by A.
Protein change: p.Val1036Met; replaces valine 1036 with methionine.
Molecular consequence: missense variant.
Genome position (GRCh38, 1-based): chr5:151,565,826, C>T on the plus strand (G>A on the coding strand, the complement: FAT2 is on the minus strand). VCF-style: chr5-151565826-C-T. GRCh37 (hg19) VCF-style: chr5-150945387-C-T.
Other names: short protein forms V1036M.
Identifiers: ClinVar variation 2062338 (VCV002062338.4), dbSNP rs540301394, ClinGen allele CA3521921.

ClinVar aggregate classification (germline): Uncertain significance (1 of 4 stars; one submission).

Allele frequency attached by ClinVar (database versions not stated): gnomAD exomes 0.00002; 1000 Genomes Project 0.00020; ExAC 0.00002; 1000 Genomes Project 30x 0.00016.
gnomAD v4.1: 39 of 1,614,134 alleles (0.0024%); highest among the groups gnomAD compares: Admixed American, 0.017%; no homozygotes.

Submission:

Labcorp Genetics (formerly Invitae), Labcorp
Classification: Uncertain significance. Last evaluated: 2022-04-01. Review status: criteria provided, single submitter. Criteria: Invitae Variant Classification Sherloc (09022015). Collection method: clinical testing. Allele origin: germline.
Comment: This sequence change replaces valine, which is neutral and non-polar, with methionine, which is neutral and non-polar, at codon 1036 of the FAT2 protein (p.Val1036Met). This variant is present in population databases (rs540301394, gnomAD 0.02%). This variant has not been reported in the literature in individuals affected with FAT2-related conditions. Algorithms developed to predict the effect of missense changes on protein structure and function are either unavailable or do not agree on the potential impact of this missense change (SIFT: "Deleterious"; PolyPhen-2: "Probably Damaging"; Align-GVGD: "Class C15"). In summary, the available evidence is currently insufficient to determine the role of this variant in disease. Therefore, it has been classified as a Variant of Uncertain Significance.